The following is an entry in ClinVar:

NM_001378156.1(C1QB):c.116C>T (p.Pro39Leu)

Gene: C1QB (complement C1q B chain; plus strand). Cytogenetic location: 1p36.12.
Variant type: single nucleotide variant.
Coding change: c.116C>T on transcript NM_001378156.1 (MANE Select); coding-DNA position 116, C replaced by T.
Protein change: p.Pro39Leu; replaces proline 39 with leucine.
Molecular consequence: missense variant.
Genome position (GRCh38, 1-based): chr1:22,659,578, C>T. VCF-style: chr1-22659578-C-T. GRCh37 (hg19) VCF-style: chr1-22986071-C-T.
Other names: c.122C>T, p.Pro41Leu (NM_000491.5); c.116C>T, p.Pro39Leu (NM_001371184.3); c.122C>T (NM_000491.3); short protein forms P41L, P39L.
Identifiers: ClinVar variation 1354973 (VCV001354973.8), dbSNP rs1258691670, ClinGen allele CA338944751.

ClinVar aggregate classification (germline): Uncertain significance. Review status: criteria provided, multiple submitters, no conflicts (2 of 4 stars). 3 submissions from 3 submitters: Uncertain significance (3). Last evaluated 2025-10-06.

Conditions:
Inborn genetic diseases. Identifiers: MedGen C0950123, MeSH D030342.

Allele frequency attached by ClinVar (database versions not stated): TOPMed below 0.00001; gnomAD 0.00001.
gnomAD v4.1: 12 of 1,613,864 alleles (0.00074%); highest among the groups gnomAD compares: Non-Finnish European, 0.001%; no homozygotes.

Submissions (3):

Labcorp Genetics (formerly Invitae), Labcorp
Classification: Uncertain significance. Last evaluated: 2025-10-06. Review status: criteria provided, single submitter. Criteria: Invitae Variant Classification Sherloc (09022015). Collection method: clinical testing. Allele origin: germline.
Comment: This sequence change replaces proline, which is neutral and non-polar, with leucine, which is neutral and non-polar, at codon 41 of the C1QB protein (p.Pro41Leu). This variant is not present in population databases (gnomAD no frequency). This variant has not been reported in the literature in individuals affected with C1QB-related conditions. ClinVar contains an entry for this variant (Variation ID: 1354973). An algorithm developed to predict the effect of missense changes on protein structure and function (PolyPhen-2) suggests that this variant is likely to be disruptive. In summary, the available evidence is currently insufficient to determine the role of this variant in disease. Therefore, it has been classified as a Variant of Uncertain Significance.

Ambry Genetics
Classification: Uncertain significance for Inborn genetic diseases. Last evaluated: 2024-11-27. Review status: criteria provided, single submitter. Criteria: Ambry Variant Classification Scheme 2023. Collection method: clinical testing. Allele origin: germline.

Blueprint Genetics
Classification: Uncertain significance. Last evaluated: 2024-05-08. Review status: criteria provided, single submitter. Criteria: ACMG Guidelines, 2015. Collection method: clinical testing. Allele origin: germline.